The following is an entry in ClinVar:

ClinVar aggregate classification (germline): Conflicting classifications of pathogenicity. Review status: criteria provided, conflicting classifications (1 of 4 stars). 6 submissions from 6 submitters: Uncertain significance (4); Likely benign (1). 1 of the submissions does not count toward it. Last evaluated 2025-07-30.

Conditions:
WT1-related disorder. Also called: WT1-related disorders. Identifiers: MedGen CN377814.
Drash syndrome (DDS). Also called: WILMS TUMOR AND PSEUDO- OR TRUE HERMAPHRODITISM; NEPHROPATHY, WILMS TUMOR, AND GENITAL ANOMALIES. Identifiers: Orphanet 220, MedGen C0950121, MONDO:0008682, OMIM 194080.
Frasier syndrome. Identifiers: Orphanet 347, MedGen C0950122, MeSH D052159, MONDO:0007635, OMIM 136680.
Wilms tumor 1 (WT1). Also called: Wilms tumor, somatic. Identifiers: Orphanet 654, MedGen CN033288, MONDO:0008679, OMIM 194070.
11p partial monosomy syndrome (WAGR). Also called: CHROMOSOME 11p13 DELETION SYNDROME; WAGR Complex; WAGR syndrome; WAGR Spectrum Disorder. Identifiers: Orphanet 893, MedGen C0206115, MONDO:0008681, OMIM 194072.
Inborn genetic diseases. Identifiers: MedGen C0950123, MeSH D030342.
Hereditary cancer-predisposing syndrome. Also called: Hereditary Cancer Syndrome; Tumor predisposition; Neoplastic Syndromes, Hereditary; Hereditary neoplastic syndrome. Identifiers: Orphanet 140162, MedGen C0027672, MeSH D009386, MONDO:0015356.
Nephrotic syndrome, type 4 (NPHS4). Also called: Familial mesangial sclerosis; Nephrotic syndrome, early onset with diffuse mesangial sclerosis. Identifiers: Orphanet 656, MedGen C3151568, MONDO:0009733, OMIM 256370.
Aniridia 1 (AN1). Identifiers: Orphanet 250923, MedGen C0344542, MONDO:0024507, OMIM 106210.
Meacham syndrome. Also called: Meacham Winn Culler syndrome. Identifiers: Orphanet 3097, MedGen C1837026, MONDO:0012164, OMIM 608978.
Mesothelioma, malignant (MESOM). Also called: Malignant mesothelioma (disease). Identifiers: Orphanet 50251, MedGen C0345967, MONDO:0006292, OMIM 156240, HP:0100001.

Allele frequency attached by ClinVar (database versions not stated): gnomAD 0.00001; gnomAD exomes 0.00001; TOPMed 0.00001.

Submissions (6):

Laboratorio de I+D, Fundación Centro Médico de Asturias
Classification: Likely benign for Hereditary cancer-predisposing syndrome. Last evaluated: 2025-07-30. Review status: criteria provided, single submitter. Criteria: ACMG Guidelines, 2015. Collection method: clinical testing. Allele origin: germline. Affected: yes.
Comment: PM2_Supporting+PP2

Ambry Genetics
Classification: Uncertain significance for Inborn genetic diseases. Last evaluated: 2024-11-28. Review status: criteria provided, single submitter. Criteria: Ambry Variant Classification Scheme 2023. Collection method: clinical testing. Allele origin: germline.
Comment: The p.P4L variant (also known as c.11C>T), located in coding exon 1 of the WT1 gene, results from a C to T substitution at nucleotide position 11. The proline at codon 4 is replaced by leucine, an amino acid with similar properties. This amino acid position is conserved. In addition, this alteration is predicted to be tolerated by in silico analysis. Based on the available evidence, the clinical significance of this variant remains unclear.

Labcorp Genetics (formerly Invitae), Labcorp
Classification: Uncertain significance for Wilms tumor 1; Drash syndrome; 11p partial monosomy syndrome; Frasier syndrome. Last evaluated: 2024-05-07. Review status: criteria provided, single submitter. Criteria: Invitae Variant Classification Sherloc (09022015). Collection method: clinical testing. Allele origin: germline.
Comment: This sequence change replaces proline, which is neutral and non-polar, with leucine, which is neutral and non-polar, at codon 4 of the WT1 protein (p.Pro4Leu). This variant is present in population databases (no rsID available, gnomAD 0.002%). This variant has not been reported in the literature in individuals affected with WT1-related conditions. ClinVar contains an entry for this variant (Variation ID: 864517). An algorithm developed to predict the effect of missense changes on protein structure and function (PolyPhen-2) suggests that this variant¬¨‚Ä†is likely to be tolerated. In summary, the available evidence is currently insufficient to determine the role of this variant in disease. Therefore, it has been classified as a Variant of Uncertain Significance.

ARUP Laboratories, Molecular Genetics and Genomics, ARUP Laboratories
Classification: Uncertain significance. Last evaluated: 2022-12-19. Review status: criteria provided, single submitter. Criteria: ARUP Molecular Germline Variant Investigation Process 2024. Collection method: clinical testing. Allele origin: germline.
Comment: The WT1 c.26C>T; p.Pro9Leu variant (rs948132360), to our knowledge, is not reported in the medical literature but is reported in ClinVar (Variation ID: 864517). This variant is only observed on one allele in the Genome Aggregation Database, indicating it is not a common polymorphism. The proline at codon 9 is weakly conserved, and computational analyses predict that this variant is neutral (REVEL: 0.091). Due to limited information, the clinical significance of this variant is uncertain at this time.

Fulgent Genetics
Classification: Uncertain significance for Aniridia 1; Frasier syndrome; Mesothelioma, malignant; Wilms tumor 1; 11p partial monosomy syndrome; Drash syndrome; Nephrotic syndrome, type 4; Meacham syndrome. Last evaluated: 2022-02-04. Review status: criteria provided, single submitter. Criteria: ACMG Guidelines, 2015. Collection method: clinical testing. Allele origin: unknown.

PreventionGenetics, part of Exact Sciences
Classification: Uncertain significance for WT1-related condition. Last evaluated: 2024-05-15. Review status: no assertion criteria provided. Collection method: clinical testing. Allele origin: germline. Not counted in ClinVar's aggregate classification.
Comment: The WT1 c.11C>T variant is predicted to result in the amino acid substitution p.Pro4Leu. To our knowledge, this variant has not been reported in the literature. This variant is reported in 0.0021% of alleles in individuals of European (Non-Finnish) descent in gnomAD. At this time, the clinical significance of this variant is uncertain due to the absence of conclusive functional and genetic evidence.

NM_024426.6(WT1):c.26C>T (p.Pro9Leu)

Genes: WT1 (WT1 transcription factor; minus strand), LOC107982234 (WT1/WT1-AS bi-directional promoter region; plus strand). Cytogenetic location: 11p13.
Variant type: single nucleotide variant.
Coding change: c.26C>T on transcript NM_024426.6 (MANE Select); coding-DNA position 26, C replaced by T.
Protein change: p.Pro9Leu; replaces proline 9 with leucine.
Molecular consequence: missense variant. On other transcripts: non-coding transcript variant (1).
Genome position (GRCh38, 1-based): chr11:32,435,335, G>A on the plus strand (C>T on the coding strand, the complement: WT1 is on the minus strand). VCF-style: chr11-32435335-G-A. GRCh37 (hg19) VCF-style: chr11-32456881-G-A.
Other names: c.26C>T, p.Pro9Leu (NM_000378.6, NM_024424.5); short protein forms P9L.
Identifiers: ClinVar variation 864517 (VCV000864517.14), dbSNP rs948132360, ClinGen allele CA219511559.